The following is an entry in ClinVar:

NM_000211.5(ITGB2):c.1754C>T (p.Pro585Leu)

Gene: ITGB2 (integrin subunit beta 2; minus strand). Cytogenetic location: 21q22.3.
Variant type: single nucleotide variant.
Coding change: c.1754C>T on transcript NM_000211.5 (MANE Select); coding-DNA position 1754, C replaced by T.
Protein change: p.Pro585Leu; replaces proline 585 with leucine.
Molecular consequence: missense variant.
Genome position (GRCh38, 1-based): chr21:44,889,399, G>A on the plus strand (C>T on the coding strand, the complement: ITGB2 is on the minus strand). VCF-style: chr21-44889399-G-A. GRCh37 (hg19) VCF-style: chr21-46309314-G-A.
Other names: c.1754C>T, p.Pro585Leu (NM_001127491.3); c.1547C>T, p.Pro516Leu (NM_001303238.2); c.1754C>T (NM_000211.3); short protein forms P585L, P516L.
Identifiers: ClinVar variation 647872 (VCV000647872.10), dbSNP rs370702628, ClinGen allele CA10062717.
Genomic context (GRCh38, chr21:44,889,399, plus strand): 5'-GAATGGCACTCGCATACGTTGCAGCGGCACCGGCCACGACCACTACACTCAACACGCCGC[G>A]GGTTCAGGCAGCCCTCAGTGGTCCTCTCGCACTGGCACGCTGAGCCCTCAAAGCCCGGGT-3'
Protein context (NP_000202.3, residues 575-595): CERTTEGCLN[Pro585Leu]RRVECSGRGR

ClinVar aggregate classification (germline): Uncertain significance. Review status: criteria provided, multiple submitters, no conflicts (2 of 4 stars). 2 submissions from 2 submitters: Uncertain significance (2). Last evaluated 2024-12-17.

Conditions:
Inborn genetic diseases. Identifiers: MedGen C0950123, MeSH D030342.
Leukocyte adhesion deficiency 1 (LAD1). Also called: LEUKOCYTE ADHESION DEFICIENCY, TYPE I; LAD 1; Lymphocyte function-associated antigen 1 immunodeficiency; LFA 1 immunodeficiency. Identifiers: Orphanet 2968, Orphanet 99842, MedGen C0398738, MONDO:0007293, OMIM 116920.

Allele frequency attached by ClinVar (database versions not stated): gnomAD exomes 0.00002 and 0.00006; ExAC 0.00003; gnomAD 0.00007; ESP Exome Variant Server 0.00008; TOPMed 0.00008.
gnomAD v4.1: 43 of 1,612,594 alleles (0.0027%); highest among the groups gnomAD compares: Admixed American, 0.02%; no homozygotes.

Submissions (2):

Labcorp Genetics (formerly Invitae), Labcorp
Classification: Uncertain significance for Leukocyte adhesion deficiency 1. Last evaluated: 2024-12-17. Review status: criteria provided, single submitter. Criteria: Invitae Variant Classification Sherloc (09022015). Collection method: clinical testing. Allele origin: germline.
Comment: This sequence change replaces proline, which is neutral and non-polar, with leucine, which is neutral and non-polar, at codon 585 of the ITGB2 protein (p.Pro585Leu). This variant is present in population databases (rs370702628, gnomAD 0.02%). This variant has not been reported in the literature in individuals affected with ITGB2-related conditions. ClinVar contains an entry for this variant (Variation ID: 647872). An algorithm developed to predict the effect of missense changes on protein structure and function outputs the following: PolyPhen-2: "Benign". The leucine amino acid residue is found in multiple mammalian species, which suggests that this missense change does not adversely affect protein function. In summary, the available evidence is currently insufficient to determine the role of this variant in disease. Therefore, it has been classified as a Variant of Uncertain Significance.

Ambry Genetics
Classification: Uncertain significance for Inborn genetic diseases. Last evaluated: 2023-06-13. Review status: criteria provided, single submitter. Criteria: Ambry Variant Classification Scheme 2023. Collection method: clinical testing. Allele origin: germline.